The following is an entry in ClinVar:

NM_001128227.3(GNE):c.51+17T>G

Gene: GNE (glucosamine (UDP-N-acetyl)-2-epimerase/N-acetylmannosamine kinase; minus strand). Cytogenetic location: 9p13.3.
Variant type: single nucleotide variant.
Coding change: c.51+17T>G on transcript NM_001128227.3 (MANE Plus Clinical); 17 bases into the intron after coding-DNA position 51, T replaced by G.
Molecular consequence: intron variant.
Genome position (GRCh38, 1-based): chr9:36,276,877, A>C on the plus strand (T>G on the coding strand, the complement: GNE is on the minus strand). VCF-style: chr9-36276877-A-C. GRCh37 (hg19) VCF-style: chr9-36276874-A-C.
Other names: c.-14+17T>G (NM_001190388.2).
Identifiers: ClinVar variation 512774 (VCV000512774.12), dbSNP rs144416128, ClinGen allele CA5056823.
Genomic context (GRCh38, chr9:36,276,877, plus strand): 5'-GTAATTTTCCTTTTTCCCCCCTTTTTTTCTGATTGCAATTTCAATAATAAAGCTCTATTG[A>C]ATTCCGAATTACTTACATGAGGTCCTTGAAAGCATGACTCCCTCTGCAGATAACCATAGG-3'

ClinVar aggregate classification (germline): Benign/Likely benign. Review status: criteria provided, multiple submitters, no conflicts (2 of 4 stars). 3 submissions from 3 submitters: Benign (1); Likely benign (2). Last evaluated 2026-01-25.

Conditions:
GNE myopathy (NM). Also called: IBM 2; Inclusion body myopathy autosomal recessive; Inclusion body myopathy quadriceps sparing; INCLUSION BODY MYOPATHY, HEREDITARY, AUTOSOMAL RECESSIVE; INCLUSION BODY MYOPATHY 2, AUTOSOMAL RECESSIVE; MYOPATHY, DISTAL, WITH OR WITHOUT RIMMED VACUOLES. Identifiers: Orphanet 602, MedGen C1853926, MONDO:0011603, OMIM 605820.
Sialuria. Also called: SIALURIA, FRENCH TYPE; Sialic Acid Storage Disease. Identifiers: Orphanet 3166, MedGen C0342853, MONDO:0010028, OMIM 269921.

Allele frequency attached by ClinVar (database versions not stated): gnomAD exomes 0.00014 and 0.00036; TOPMed 0.00023; 1000 Genomes Project 30x 0.00094; gnomAD 0.00014 and 0.00019; ESP Exome Variant Server 0.00019; ExAC 0.00037; 1000 Genomes Project 0.00080.
gnomAD v4.1: 229 of 1,589,928 alleles (0.014%); highest among the groups gnomAD compares: East Asian, 0.35%; 2 homozygotes.

Submissions (3):

Labcorp Genetics (formerly Invitae), Labcorp
Classification: Benign for Sialuria; GNE myopathy. Last evaluated: 2026-01-25. Review status: criteria provided, single submitter. Criteria: Invitae Variant Classification Sherloc (09022015). Collection method: clinical testing. Allele origin: germline.

Blueprint Genetics
Classification: Likely benign. Last evaluated: 2024-10-25. Review status: criteria provided, single submitter. Criteria: ACMG Guidelines, 2015. Collection method: clinical testing. Allele origin: germline.

GeneDx
Classification: Likely benign. Last evaluated: 2017-10-23. Review status: criteria provided, single submitter. Criteria: GeneDx Variant Classification (06012015). Collection method: clinical testing. Allele origin: germline. Affected: yes.
Comment: This variant is considered likely benign or benign based on one or more of the following criteria: it is a conservative change, it occurs at a poorly conserved position in the protein, it is predicted to be benign by multiple in silico algorithms, and/or has population frequency not consistent with disease.